The following is an entry in ClinVar:

NM_019892.6(INPP5E):c.341G>A (p.Gly114Asp)

Gene: INPP5E (inositol polyphosphate-5-phosphatase E; minus strand). Cytogenetic location: 9q34.3.
Variant type: single nucleotide variant.
Coding change: c.341G>A on transcript NM_019892.6 (MANE Select); coding-DNA position 341, G replaced by A.
Protein change: p.Gly114Asp; replaces glycine 114 with aspartic acid.
Molecular consequence: missense variant.
Genome position (GRCh38, 1-based): chr9:136,439,079, C>T on the plus strand (G>A on the coding strand, the complement: INPP5E is on the minus strand). VCF-style: chr9-136439079-C-T. GRCh37 (hg19) VCF-style: chr9-139333531-C-T.
Other names: c.341G>A, p.Gly114Asp (NM_001318502.2); c.341G>A (NM_019892.5); short protein forms G114D.
Identifiers: ClinVar variation 1346058 (VCV001346058.7), dbSNP rs1295096267, ClinGen allele CA375569666.
Genomic context (GRCh38, chr9:136,439,079, plus strand): 5'-CTCAGGCAGGGCGGGGAGCAGCTGTGGGCGGGGGCCCCGGGGCCCTCGCTCTGCACTGAG[C>T]CCCTGGAGGGACTGGTCCCATTCCGGGCTTCCAGGTCCTCCTGGCTGCCTCGAAAACGCC-3'
Protein context (NP_063945.2, residues 104-124): EARNGTSPSR[Gly114Asp]SVQSEGPGAP

ClinVar aggregate classification (germline): Uncertain significance. Review status: criteria provided, single submitter (1 of 4 stars). 2 submissions from 2 submitters: Uncertain significance (1). 1 of the submissions does not count toward it. Last evaluated 2022-03-27.

Conditions:
INPP5E-related disorder. Also called: INPP5E-related condition.
Joubert syndrome. Also called: CEREBELLOPARENCHYMAL DISORDER IV; JOUBERT-BOLTSHAUSER SYNDROME; Familial aplasia of the vermis. Identifiers: Orphanet 475, MedGen C5979921, MONDO:0018772.

Allele frequency attached by ClinVar (database versions not stated): gnomAD 0.00001; gnomAD exomes 0.00002; TOPMed 0.00002.
gnomAD v4.1: 8 of 1,571,576 alleles (0.00051%); highest among the groups gnomAD compares: Admixed American, 0.0074%; no homozygotes.

Submissions (2):

Labcorp Genetics (formerly Invitae), Labcorp
Classification: Uncertain significance for Joubert syndrome. Last evaluated: 2022-03-27. Review status: criteria provided, single submitter. Criteria: Invitae Variant Classification Sherloc (09022015). Collection method: clinical testing. Allele origin: germline.
Comment: In summary, the available evidence is currently insufficient to determine the role of this variant in disease. Therefore, it has been classified as a Variant of Uncertain Significance. Advanced modeling of protein sequence and biophysical properties (such as structural, functional, and spatial information, amino acid conservation, physicochemical variation, residue mobility, and thermodynamic stability) performed at Invitae indicates that this missense variant is not expected to disrupt INPP5E protein function. This variant has not been reported in the literature in individuals affected with INPP5E-related conditions. The frequency data for this variant in the population databases is considered unreliable, as metrics indicate poor data quality at this position in the gnomAD database. This sequence change replaces glycine, which is neutral and non-polar, with aspartic acid, which is acidic and polar, at codon 114 of the INPP5E protein (p.Gly114Asp).

PreventionGenetics, part of Exact Sciences
Classification: Uncertain significance for INPP5E-related condition. Last evaluated: 2024-02-16. Review status: no assertion criteria provided. Collection method: clinical testing. Allele origin: germline. Not counted in ClinVar's aggregate classification.
Comment: The INPP5E c.341G>A variant is predicted to result in the amino acid substitution p.Gly114Asp. To our knowledge, this variant has not been reported in the literature. This variant is reported in 0.011% of alleles in individuals of Latino descent in gnomAD. At this time, the clinical significance of this variant is uncertain due to the absence of conclusive functional and genetic evidence.